The following is an entry in ClinVar:

NM_002485.5(NBN):c.896+3A>T

Gene: NBN (nibrin; minus strand). Cytogenetic location: 8q21.3.
Variant type: single nucleotide variant.
Coding change: c.896+3A>T on transcript NM_002485.5 (MANE Select); 3 bases into the intron after coding-DNA position 896, A replaced by T.
Molecular consequence: intron variant.
Genome position (GRCh38, 1-based): chr8:89,970,361, T>A on the plus strand (A>T on the coding strand, the complement: NBN is on the minus strand). VCF-style: chr8-89970361-T-A. GRCh37 (hg19) VCF-style: chr8-90982589-T-A.
Other names: c.650+3A>T (NM_001024688.3).
Identifiers: ClinVar variation 655266 (VCV000655266.6), dbSNP rs1158019133, ClinGen allele CA583843945.

ClinVar aggregate classification (germline): Uncertain significance (1 of 4 stars; one submission).

Conditions:
Microcephaly, normal intelligence and immunodeficiency (NBS). Also called: BERLIN BREAKAGE SYNDROME; Immunodeficiency, microcephaly with normal intelligence; SEEMANOVA SYNDROME II; Ataxia telangiectasia variant V1; Nijmegen breakage syndrome; IMMUNODEFICIENCY, MICROCEPHALY, AND CHROMOSOMAL INSTABILITY. Identifiers: Orphanet 647, MedGen C0398791, MONDO:0009623, OMIM 251260.

Allele frequency attached by ClinVar (database versions not stated): gnomAD exomes below 0.00001.
gnomAD v4.1: 2 of 1,600,118 alleles (0.00012%); highest among the groups gnomAD compares: South Asian, 0.0022%; no homozygotes.

Submission:

Labcorp Genetics (formerly Invitae), Labcorp
Classification: Uncertain significance for Microcephaly, normal intelligence and immunodeficiency. Last evaluated: 2018-11-14. Review status: criteria provided, single submitter. Criteria: Invitae Variant Classification Sherloc (09022015). Collection method: clinical testing. Allele origin: germline.
Comment: This sequence change falls in intron 7 of the NBN gene. It does not directly change the encoded amino acid sequence of the NBN protein, but it affects a nucleotide within the consensus splice site of the intron. This variant is not present in population databases (ExAC no frequency). This variant has not been reported in the literature in individuals with NBN-related disease. Nucleotide substitutions within the consensus splice site are a relatively common cause of aberrant splicing (PMID: 17576681, 9536098). Algorithms developed to predict the effect of sequence changes on RNA splicing suggest that this variant may disrupt the consensus splice site, but this prediction has not been confirmed by published transcriptional studies. In summary, the available evidence is currently insufficient to determine the role of this variant in disease. Therefore, it has been classified as a Variant of Uncertain Significance.

Literature cited by the submitters: PubMed 17576681; PubMed 9536098.